The following is an entry in ClinVar:

NM_006516.4(SLC2A1):c.18+12G>T

Genes: SLC2A1 (solute carrier family 2 member 1; minus strand), LOC129930369 (ATAC-STARR-seq lymphoblastoid silent region 772; plus strand). Cytogenetic location: 1p34.2.
Variant type: single nucleotide variant.
Coding change: c.18+12G>T on transcript NM_006516.4 (MANE Select); 12 bases into the intron after coding-DNA position 18, G replaced by T.
Molecular consequence: intron variant.
Genome position (GRCh38, 1-based): chr1:42,958,622, C>A on the plus strand (G>T on the coding strand, the complement: SLC2A1 is on the minus strand). VCF-style: chr1-42958622-C-A. GRCh37 (hg19) VCF-style: chr1-43424293-C-A.
Identifiers: ClinVar variation 139154 (VCV000139154.13), dbSNP rs587781171, ClinGen allele CA019093.

ClinVar aggregate classification (germline): Conflicting classifications of pathogenicity. Review status: criteria provided, conflicting classifications (1 of 4 stars). 5 submissions from 4 submitters: Uncertain significance (2); Benign (1); Likely benign (2). Last evaluated 2025-11-03.

Conditions:
Dystonia 9 (DYT9). Also called: CHOREOATHETOSIS, KINESIGENIC, WITH EPISODIC ATAXIA AND SPASTICITY. Identifiers: Orphanet 53583, MedGen C1832855, MONDO:0010983, OMIM 601042.
GLUT1 deficiency syndrome 1, autosomal recessive. Identifiers: MedGen C3149117.
Encephalopathy due to GLUT1 deficiency. Also called: De Vivo disease; Glucose transporter protein syndrome; GLUT1 deficiency syndrome 1; GLUT1 deficiency syndrome 1, infantile onset, severe; Classic Glucose Transporter Type 1 Deficiency Syndrome; GLUCOSE TRANSPORT DEFECT, BLOOD-BRAIN BARRIER. Identifiers: Orphanet 71277, MedGen C4551966, MONDO:0011724, OMIM 606777.

Allele frequency attached by ClinVar (database versions not stated): gnomAD 0.00006 and 0.00007; gnomAD exomes 0.00006 and 0.00009; TOPMed 0.00006; ExAC 0.00008.
gnomAD v4.1: 134 of 1,525,134 alleles (0.0088%); highest among the groups gnomAD compares: Middle Eastern, 0.17%; no homozygotes.

Submissions (5):

Labcorp Genetics (formerly Invitae), Labcorp
Classification: Likely benign for GLUT1 deficiency syndrome 1, autosomal recessive. Last evaluated: 2025-11-03. Review status: criteria provided, single submitter. Criteria: Invitae Variant Classification Sherloc (09022015). Collection method: clinical testing. Allele origin: germline.

Blueprint Genetics
Classification: Likely benign. Last evaluated: 2024-11-08. Review status: criteria provided, single submitter. Criteria: ACMG Guidelines, 2015. Collection method: clinical testing. Allele origin: germline.

Illumina Laboratory Services, Illumina
Classification: Uncertain significance for Dystonia 9. Last evaluated: 2018-01-12. Review status: criteria provided, single submitter. Criteria: ICSL Variant Classification Criteria 13 December 2019. Collection method: clinical testing. Allele origin: germline.

Illumina Laboratory Services, Illumina
Classification: Uncertain significance for Encephalopathy due to GLUT1 deficiency. Last evaluated: 2018-01-12. Review status: criteria provided, single submitter. Criteria: ICSL Variant Classification Criteria 13 December 2019. Collection method: clinical testing. Allele origin: germline.

GeneDx
Classification: Benign. Last evaluated: 2014-03-20. Review status: criteria provided, single submitter. Criteria: GeneDx Variant Classification (06012015). Collection method: clinical testing. Allele origin: germline. Affected: yes.
Comment: This variant is considered likely benign or benign based on one or more of the following criteria: it is a conservative change, it occurs at a poorly conserved position in the protein, it is predicted to be benign by multiple in silico algorithms, and/or has population frequency not consistent with disease.